The following is an entry in ClinVar:

NM_017617.5(NOTCH1):c.3683C>T (p.Pro1228Leu)

Gene: NOTCH1 (notch receptor 1; minus strand). Cytogenetic location: 9q34.3.
Variant type: single nucleotide variant.
Coding change: c.3683C>T on transcript NM_017617.5 (MANE Select); coding-DNA position 3683, C replaced by T.
Protein change: p.Pro1228Leu; replaces proline 1228 with leucine.
Molecular consequence: missense variant.
Genome position (GRCh38, 1-based): chr9:136,506,934, G>A on the plus strand (C>T on the coding strand, the complement: NOTCH1 is on the minus strand). VCF-style: chr9-136506934-G-A. GRCh37 (hg19) VCF-style: chr9-139401386-G-A.
Other names: short protein forms P1228L.
Identifiers: ClinVar variation 1000281 (VCV001000281.8), dbSNP rs561646185, ClinGen allele CA201579024.

ClinVar aggregate classification (germline): Uncertain significance (1 of 4 stars; one submission).

Conditions:
Adams-Oliver syndrome 5 (AOS5). Identifiers: Orphanet 974, MedGen C4014970, MONDO:0014459, OMIM 616028.

Submission:

Labcorp Genetics (formerly Invitae), Labcorp
Classification: Uncertain significance for Adams-Oliver syndrome 5. Last evaluated: 2022-08-23. Review status: criteria provided, single submitter. Criteria: Invitae Variant Classification Sherloc (09022015). Collection method: clinical testing. Allele origin: germline.
Comment: Advanced modeling of protein sequence and biophysical properties (such as structural, functional, and spatial information, amino acid conservation, physicochemical variation, residue mobility, and thermodynamic stability) performed at Invitae indicates that this missense variant is not expected to disrupt NOTCH1 protein function. ClinVar contains an entry for this variant (Variation ID: 1000281). This variant has not been reported in the literature in individuals affected with NOTCH1-related conditions. This variant is not present in population databases (gnomAD no frequency). This sequence change replaces proline, which is neutral and non-polar, with leucine, which is neutral and non-polar, at codon 1228 of the NOTCH1 protein (p.Pro1228Leu). In summary, the available evidence is currently insufficient to determine the role of this variant in disease. Therefore, it has been classified as a Variant of Uncertain Significance.